The following is an entry in ClinVar:

ClinVar aggregate classification (germline): Likely benign (1 of 4 stars; one submission).

Conditions:
Congenital myasthenic syndrome 12 (CMS12). Also called: MYASTHENIC SYNDROME, CONGENITAL, WITH TUBULAR AGGREGATES 1; Myasthenia, congenital, 12, with tubular aggregates. Identifiers: Orphanet 353327, Orphanet 590, MedGen C3552335, MONDO:0012518, OMIM 610542.

Allele frequency attached by ClinVar (database versions not stated): gnomAD 0.00394 and 0.00416; 1000 Genomes Project 30x 0.00422; TOPMed 0.00434; 1000 Genomes Project 0.00459.

Submission:

Illumina Laboratory Services, Illumina
Classification: Likely benign for Congenital myasthenic syndrome 12. Last evaluated: 2018-01-13. Review status: criteria provided, single submitter. Criteria: ICSL Variant Classification Criteria 13 December 2019. Collection method: clinical testing. Allele origin: germline.
Comment: This variant was observed in the ICSL laboratory as part of a predisposition screen in an ostensibly healthy population. It had not been previously curated by ICSL or reported in the Human Gene Mutation Database (HGMD: prior to June 1st, 2018), and was therefore a candidate for classification through an automated scoring system. Utilizing variant allele frequency, disease prevalence and penetrance estimates, and inheritance mode, an automated score was calculated to assess if this variant is too frequent to cause the disease. Based on the score and internal cut-off values, a variant classified as likely benign is not then subjected to further curation. The score for this variant resulted in a classification of likely benign for this disease.

NM_001244710.2(GFPT1):c.*6003G>T

Gene: GFPT1 (glutamine--fructose-6-phosphate transaminase 1; minus strand). Cytogenetic location: 2p13.3.
Variant type: single nucleotide variant.
Coding change: c.*6003G>T on transcript NM_001244710.2 (MANE Select); 6003 bases downstream of the stop codon, G replaced by T.
Molecular consequence: 3 prime UTR variant.
Genome position (GRCh38, 1-based): chr2:69,320,186, C>A on the plus strand (G>T on the coding strand, the complement: GFPT1 is on the minus strand). VCF-style: chr2-69320186-C-A. GRCh37 (hg19) VCF-style: chr2-69547318-C-A.
Other names: c.*6003G>T (NM_002056.4).
Identifiers: ClinVar variation 896212 (VCV000896212.4), dbSNP rs143649075, ClinGen allele CA49440731.